The following is an entry in ClinVar:

NM_014915.3(ANKRD26):c.2342A>G (p.Lys781Arg)

Gene: ANKRD26 (ankyrin repeat domain 26; minus strand). Cytogenetic location: 10p12.1.
Variant type: single nucleotide variant.
Coding change: c.2342A>G on transcript NM_014915.3 (MANE Select); coding-DNA position 2342, A replaced by G.
Protein change: p.Lys781Arg; replaces lysine 781 with arginine.
Molecular consequence: missense variant.
Genome position (GRCh38, 1-based): chr10:27,039,998, T>C on the plus strand (A>G on the coding strand, the complement: ANKRD26 is on the minus strand). VCF-style: chr10-27039998-T-C. GRCh37 (hg19) VCF-style: chr10-27328927-T-C.
Other names: c.2339A>G, p.Lys780Arg (NM_001256053.2); short protein forms K781R, K780R.
Identifiers: ClinVar variation 2883936 (VCV002883936.4), dbSNP rs2538809219, ClinGen allele CA376367254.

ClinVar aggregate classification (germline): Uncertain significance. Review status: criteria provided, multiple submitters, no conflicts (2 of 4 stars). 2 submissions from 2 submitters: Uncertain significance (2). Last evaluated 2025-03-28.

Conditions:
Inborn genetic diseases. Identifiers: MedGen C0950123, MeSH D030342.

Submissions (2):

Ambry Genetics
Classification: Uncertain significance for Inborn genetic diseases. Last evaluated: 2025-03-28. Review status: criteria provided, single submitter. Criteria: Ambry Variant Classification Scheme 2023. Collection method: clinical testing. Allele origin: germline.
Comment: The p.K781R variant (also known as c.2342A>G), located in coding exon 21 of the ANKRD26 gene, results from an A to G substitution at nucleotide position 2342. The lysine at codon 781 is replaced by arginine, an amino acid with highly similar properties. This amino acid position is conserved. In addition, this alteration is predicted to be tolerated by in silico analysis. Based on the available evidence, the clinical significance of this variant remains unclear.

Labcorp Genetics (formerly Invitae), Labcorp
Classification: Uncertain significance. Last evaluated: 2023-10-05. Review status: criteria provided, single submitter. Criteria: Invitae Variant Classification Sherloc (09022015). Collection method: clinical testing. Allele origin: germline.
Comment: This sequence change replaces lysine, which is basic and polar, with arginine, which is basic and polar, at codon 781 of the ANKRD26 protein (p.Lys781Arg). This variant is not present in population databases (gnomAD no frequency). This variant has not been reported in the literature in individuals affected with ANKRD26-related conditions. An algorithm developed to predict the effect of missense changes on protein structure and function (PolyPhen-2) suggests that this variant is likely to be disruptive. In summary, the available evidence is currently insufficient to determine the role of this variant in disease. Therefore, it has been classified as a Variant of Uncertain Significance.